The following is an entry in ClinVar:

ClinVar aggregate classification (germline): Benign. Review status: criteria provided, multiple submitters, no conflicts (2 of 4 stars). 4 submissions from 4 submitters: Benign (4). Last evaluated 2026-02-04.

Conditions:
Autosomal recessive congenital ichthyosis 10 (ARCI10). Identifiers: Orphanet 79394, MedGen C3554355, MONDO:0014011, OMIM 615024.

Allele frequency attached by ClinVar (database versions not stated): 1000 Genomes Project 0.22244; 1000 Genomes Project 30x 0.22283; ESP Exome Variant Server 0.23751; TOPMed 0.24224; gnomAD 0.24754 and 0.25181; ExAC 0.30987; gnomAD exomes 0.31402 and 0.31968.
gnomAD v4.1: 494,684 of 1,612,660 alleles (31%); highest among the groups gnomAD compares: Admixed American, 46%; 80,954 homozygotes.

Submissions (4):

Labcorp Genetics (formerly Invitae), Labcorp
Classification: Benign. Last evaluated: 2026-02-04. Review status: criteria provided, single submitter. Criteria: Invitae Variant Classification Sherloc (09022015). Collection method: clinical testing. Allele origin: germline.

Genome-Nilou Lab
Classification: Benign for Autosomal recessive congenital ichthyosis 10. Last evaluated: 2021-10-25. Review status: criteria provided, single submitter. Criteria: ACMG Guidelines, 2015. Collection method: clinical testing. Allele origin: germline. Affected: no.

Illumina Laboratory Services, Illumina
Classification: Benign for Autosomal recessive congenital ichthyosis 10. Last evaluated: 2018-01-12. Review status: criteria provided, single submitter. Criteria: ICSL Variant Classification Criteria 13 December 2019. Collection method: clinical testing. Allele origin: germline.
Comment: This variant was observed in the ICSL laboratory as part of a predisposition screen in an ostensibly healthy population. It had not been previously curated by ICSL or reported in the Human Gene Mutation Database (HGMD: prior to June 1st, 2018), and was therefore a candidate for classification through an automated scoring system. Utilizing variant allele frequency, disease prevalence and penetrance estimates, and inheritance mode, an automated score was calculated to assess if this variant is too frequent to cause the disease. Based on the score and internal cut-off values, a variant classified as benign is not then subjected to further curation. The score for this variant resulted in a classification of benign for this disease.

PreventionGenetics, part of Exact Sciences
Classification: Benign. Review status: criteria provided, single submitter. Criteria: ACMG Guidelines, 2015. Collection method: clinical testing. Allele origin: germline.

NM_001374623.1(PNPLA1):c.504+11C>T

Gene: PNPLA1 (patatin like domain 1, omega-hydroxyceramide transacylase; plus strand). Cytogenetic location: 6p21.31.
Variant type: single nucleotide variant.
Coding change: c.504+11C>T on transcript NM_001374623.1 (MANE Select); 11 bases into the intron after coding-DNA position 504, C replaced by T.
Molecular consequence: intron variant.
Genome position (GRCh38, 1-based): chr6:36,293,137, C>T. VCF-style: chr6-36293137-C-T. GRCh37 (hg19) VCF-style: chr6-36260914-C-T.
Other names: c.504+11C>T (NM_001145717.1); c.219+11C>T (NM_001145716.2, NM_173676.2).
Identifiers: ClinVar variation 257573 (VCV000257573.17), dbSNP rs2239796, ClinGen allele CA3777733.